The following is an entry in ClinVar:

ClinVar aggregate classification (germline): Uncertain significance (1 of 4 stars; one submission).

Submission:

Dasa
Classification: Uncertain significance. Last evaluated: 2026-01-08. Review status: criteria provided, single submitter. Criteria: DASA Assertion Criteria. Collection method: clinical testing. Allele origin: germline.
Comment: NM_001018005.2(TPM1):c.47A>G (p.Glu16Gly) is a missense variant that results in the substitution of glutamic acid with glycine. This variant is rare in population databases. Computational prediction algorithms are consistent with a deleterious effect. The currently available literature and clinical evidence are not sufficient to establish a definitive association between this variant and the reported condition. Therefore, this variant is classified as a variant of uncertain significance.

NM_001018005.2(TPM1):c.47A>G (p.Glu16Gly)

Gene: TPM1 (tropomyosin 1; plus strand). Cytogenetic location: 15q22.2.
Variant type: single nucleotide variant.
Coding change: c.47A>G on transcript NM_001018005.2 (MANE Select); coding-DNA position 47, A replaced by G.
Protein change: p.Glu16Gly; replaces glutamic acid 16 with glycine.
Molecular consequence: missense variant. On other transcripts: non-coding transcript variant (11).
Genome position (GRCh38, 1-based): chr15:63,042,876, A>G. VCF-style: chr15-63042876-A-G. GRCh37 (hg19) VCF-style: chr15-63335075-A-G.
Other names: c.47A>G, p.Glu16Gly (NM_001407330.1, NM_001407331.1, NM_001407332.1 and 24 more transcripts); short protein forms E16G.
Identifiers: ClinVar variation 4885852 (VCV004885852.2).